The following is an entry in ClinVar:

ClinVar aggregate classification (germline): Benign/Likely benign. Review status: criteria provided, multiple submitters, no conflicts (2 of 4 stars). 5 submissions from 5 submitters: Benign (1); Likely benign (4). Last evaluated 2026-07-01.

Conditions:
Short-rib thoracic dysplasia 14 with polydactyly (SRTD14). Identifiers: Orphanet 397715, MedGen C4225286, MONDO:0014688, OMIM 616546.
Joubert syndrome 23 (JBTS23). Identifiers: Orphanet 475, MedGen C4084822, MONDO:0014664, OMIM 616490.

Allele frequency attached by ClinVar (database versions not stated): gnomAD exomes 0.00051 and 0.00106; ExAC 0.00120; 1000 Genomes Project 30x 0.00187; 1000 Genomes Project 0.00200; gnomAD 0.00283 and 0.00314; TOPMed 0.00355; ESP Exome Variant Server 0.00365.
gnomAD v4.1: 1,213 of 1,611,490 alleles (0.075%); highest among the groups gnomAD compares: African/African-American, 0.86%; 3 homozygotes.

Submissions (5):

CeGaT Center for Human Genetics Tuebingen
Classification: Likely benign. Last evaluated: 2026-07-01. Review status: criteria provided, single submitter. Criteria: CeGaT Center For Human Genetics Tuebingen Variant Classification Criteria Version 2. Collection method: clinical testing. Allele origin: germline. Affected: yes. Observed: 3 variant alleles.
Comment: KIAA0586: BP4, BP7

Labcorp Genetics (formerly Invitae), Labcorp
Classification: Benign for Joubert syndrome 23; Short-rib thoracic dysplasia 14 with polydactyly. Last evaluated: 2026-01-27. Review status: criteria provided, single submitter. Criteria: Invitae Variant Classification Sherloc (09022015). Collection method: clinical testing. Allele origin: germline.

Blueprint Genetics
Classification: Likely benign. Last evaluated: 2024-11-20. Review status: criteria provided, single submitter. Criteria: ACMG Guidelines, 2015. Collection method: clinical testing. Allele origin: germline.

GeneDx
Classification: Likely benign. Last evaluated: 2020-11-04. Review status: criteria provided, single submitter. Criteria: GeneDx Variant Classification Process June 2021. Collection method: clinical testing. Allele origin: germline. Affected: yes.

Breakthrough Genomics
Classification: Likely benign. Review status: criteria provided, single submitter. Criteria: ACMG Guidelines, 2015. Collection method: not provided. Allele origin: germline. Inheritance: Autosomal recessive inheritance. Affected: yes.

NM_001329943.3(KIAA0586):c.4047G>A (p.Ala1349=)

Gene: KIAA0586 (KIAA0586; plus strand). Cytogenetic location: 14q23.1.
Variant type: single nucleotide variant.
Coding change: c.4047G>A on transcript NM_001329943.3 (MANE Select); coding-DNA position 4047, G replaced by A.
Protein change: p.Ala1349=; no amino-acid change (alanine 1349 retained).
Molecular consequence: synonymous variant.
Genome position (GRCh38, 1-based): chr14:58,498,839, G>A. VCF-style: chr14-58498839-G-A. GRCh37 (hg19) VCF-style: chr14-58965557-G-A.
Other names: c.4206G>A, p.Ala1402= (NM_001244189.2); c.4002G>A, p.Ala1334= (NM_001244190.2); c.3792G>A, p.Ala1264= (NM_001244191.2, NM_001329945.2, NM_001364700.1 and 1 more transcripts); c.3915G>A, p.Ala1305= (NM_001244192.2, NM_001329947.2); c.3627G>A, p.Ala1209= (NM_001244193.2); c.4047G>A, p.Ala1349= (NM_001329944.2, NM_001329946.2); c.3819G>A, p.Ala1273= (NM_014749.5).
Identifiers: ClinVar variation 707036 (VCV000707036.24), dbSNP rs61729923, ClinGen allele CA7206310.